The following is an entry in ClinVar:

NM_001377405.1(ATXN7):c.2584G>A (p.Val862Met)

Gene: ATXN7 (ataxin 7; plus strand). Cytogenetic location: 3p14.1.
Variant type: single nucleotide variant.
Coding change: c.2584G>A on transcript NM_001377405.1 (MANE Select); coding-DNA position 2584, G replaced by A.
Protein change: p.Val862Met; replaces valine 862 with methionine.
Molecular consequence: missense variant.
Genome position (GRCh38, 1-based): chr3:63,996,406, G>A. VCF-style: chr3-63996406-G-A. GRCh37 (hg19) VCF-style: chr3-63982082-G-A.
Other names: c.2584G>A, p.Val862Met (NM_000333.4, NM_001177387.1, NM_001377406.1); c.2149G>A, p.Val717Met (NM_001128149.3); short protein forms V862M, V717M.
Identifiers: ClinVar variation 128518 (VCV000128518.7), dbSNP rs3774729, ClinGen allele CA152021.

ClinVar aggregate classification (germline): Benign. Review status: criteria provided, single submitter (1 of 4 stars). 2 submissions from 2 submitters: Benign (1). 1 of the submissions does not count toward it.

Allele frequency attached by ClinVar (database versions not stated): ESP Exome Variant Server 0.39069; gnomAD exomes 0.32076; gnomAD 0.41208; TOPMed 0.40870; 1000 Genomes Project 30x 0.44191; 1000 Genomes Project 0.43770.
gnomAD v4.1: 531,290 of 1,613,796 alleles (33%); highest among the groups gnomAD compares: African/African-American, 58%; 91,264 homozygotes.

Submissions (2):

Breakthrough Genomics
Classification: Benign. Review status: criteria provided, single submitter. Criteria: ACMG Guidelines, 2015. Collection method: not provided. Allele origin: germline. Inheritance: Autosomal dominant inheritance. Affected: yes.

Genetic Services Laboratory, University of Chicago
Classification: Likely benign for AllHighlyPenetrant. Review status: no assertion criteria provided. Collection method: clinical testing. Allele origin: germline. Inheritance: Autosomal dominant inheritance. Not counted in ClinVar's aggregate classification.
Comment: Likely benign based on allele frequency in 1000 Genomes Project or ESP global frequency and its presence in a patient with a rare or unrelated disease phenotype. NOT Sanger confirmed.